The following is an entry in ClinVar:

NM_002439.5(MSH3):c.2066T>C (p.Leu689Pro)

Gene: MSH3 (mutS homolog 3; plus strand). Cytogenetic location: 5q14.1.
Variant type: single nucleotide variant.
Coding change: c.2066T>C on transcript NM_002439.5 (MANE Select); coding-DNA position 2066, T replaced by C.
Protein change: p.Leu689Pro; replaces leucine 689 with proline.
Molecular consequence: missense variant.
Genome position (GRCh38, 1-based): chr5:80,768,102, T>C. VCF-style: chr5-80768102-T-C. GRCh37 (hg19) VCF-style: chr5-80063921-T-C.
Other names: short protein forms L689P.
Identifiers: ClinVar variation 645220 (VCV000645220.11), dbSNP rs771500013, ClinGen allele CA3328121.

ClinVar aggregate classification (germline): Uncertain significance. Review status: criteria provided, multiple submitters, no conflicts (2 of 4 stars). 2 submissions from 2 submitters: Uncertain significance (2). Last evaluated 2026-02-02.

Conditions:
Hereditary cancer-predisposing syndrome. Also called: Hereditary Cancer Syndrome; Tumor predisposition; Hereditary neoplastic syndrome; Neoplastic Syndromes, Hereditary. Identifiers: Orphanet 140162, MedGen C0027672, MeSH D009386, MONDO:0015356.

Allele frequency attached by ClinVar (database versions not stated): gnomAD exomes below 0.00001; TOPMed below 0.00001; ExAC 0.00001; gnomAD 0.00001.
gnomAD v4.1: 6 of 1,613,616 alleles (0.00037%); highest among the groups gnomAD compares: Non-Finnish European, 0.00051%; no homozygotes.

Submissions (2):

Labcorp Genetics (formerly Invitae), Labcorp
Classification: Uncertain significance. Last evaluated: 2026-02-02. Review status: criteria provided, single submitter. Criteria: Invitae Variant Classification Sherloc (09022015). Collection method: clinical testing. Allele origin: germline.
Comment: This sequence change replaces leucine, which is neutral and non-polar, with proline, which is neutral and non-polar, at codon 689 of the MSH3 protein (p.Leu689Pro). This variant is present in population databases (rs771500013, gnomAD 0.0009%). This variant has not been reported in the literature in individuals affected with MSH3-related conditions. ClinVar contains an entry for this variant (Variation ID: 645220). An algorithm developed to predict the effect of missense changes on protein structure and function (PolyPhen-2) suggests that this variant is likely to be disruptive. In summary, the available evidence is currently insufficient to determine the role of this variant in disease. Therefore, it has been classified as a Variant of Uncertain Significance.

Ambry Genetics
Classification: Uncertain significance for Hereditary cancer-predisposing syndrome. Last evaluated: 2025-09-11. Review status: criteria provided, single submitter. Criteria: Ambry Variant Classification Scheme 2023. Collection method: clinical testing. Allele origin: germline.
Comment: The p.L689P variant (also known as c.2066T>C), located in coding exon 14 of the MSH3 gene, results from a T to C substitution at nucleotide position 2066. The leucine at codon 689 is replaced by proline, an amino acid with similar properties. This amino acid position is highly conserved in available vertebrate species. In addition, this alteration is predicted to be deleterious by in silico analysis. Since supporting evidence is limited at this time, the clinical significance of this alteration remains unclear.